The following is an entry in ClinVar:

NM_001007553.3(CSDE1):c.2293G>A (p.Ala765Thr)

Gene: CSDE1 (cold shock domain containing E1; minus strand). Cytogenetic location: 1p13.2.
Variant type: single nucleotide variant.
Coding change: c.2293G>A on transcript NM_001007553.3 (MANE Select); coding-DNA position 2293, G replaced by A.
Protein change: p.Ala765Thr; replaces alanine 765 with threonine.
Molecular consequence: missense variant.
Genome position (GRCh38, 1-based): chr1:114,718,669, C>T on the plus strand (G>A on the coding strand, the complement: CSDE1 is on the minus strand). VCF-style: chr1-114718669-C-T. GRCh37 (hg19) VCF-style: chr1-115261290-C-T.
Other names: c.2338G>A, p.Ala780Thr (NM_001130523.3); c.2431G>A, p.Ala811Thr (NM_001242891.2); c.2293G>A, p.Ala765Thr (NM_001242892.2); c.2200G>A, p.Ala734Thr (NM_001242893.2, NM_007158.6); short protein forms A765T, A780T, A811T, A734T.
Identifiers: ClinVar variation 4234775 (VCV004234775.3).
Genomic context (GRCh38, chr1:114,718,669, plus strand): 5'-ATACCATTGAGTTATCTGGTCCCCTTGGCTGACGAAGAACCATTAGGCGAGGAGCACTGG[C>T]ATCATCCAGAGTGATATTCTTCAAGCGATTGACCAACCGATCAGGTCGAGGAGCTGCAAC-3'
Protein context (NP_001007554.1, residues 755-775): NRLKNITLDD[Ala765Thr]SAPRLMVLRQ

ClinVar aggregate classification (germline): Uncertain significance. Review status: criteria provided, multiple submitters, no conflicts (2 of 4 stars). 2 submissions from 2 submitters: Uncertain significance (2). Last evaluated 2026-01-22.

Conditions:
Inborn genetic diseases. Identifiers: MedGen C0950123, MeSH D030342.
Complex neurodevelopmental disorder. Identifiers: Orphanet 528084, MedGen C5568766, MONDO:0100038.

Submissions (2):

Dasa
Classification: Uncertain significance for Complex neurodevelopmental disorder. Last evaluated: 2026-01-22. Review status: criteria provided, single submitter. Criteria: DASA Assertion Criteria. Collection method: clinical testing. Allele origin: germline.
Comment: NM_001007553.3(CSDE1):c.2293G>A (p.Ala765Thr) is a missense variant that results in the substitution of alanine with threonine. This variant is rare in population databases. Computational prediction algorithms are consistent with a benign effect. The currently available literature and clinical evidence are not sufficient to establish a definitive association between this variant and the reported condition. Therefore, this variant is classified as a variant of uncertain significance.

Ambry Genetics
Classification: Uncertain significance for Inborn genetic diseases. Last evaluated: 2025-09-04. Review status: criteria provided, single submitter. Criteria: Ambry Variant Classification Scheme 2023. Collection method: clinical testing. Allele origin: germline.